The following is an entry in ClinVar:

NM_213599.3(ANO5):c.1832C>A (p.Thr611Lys)

Gene: ANO5 (anoctamin 5; plus strand). Cytogenetic location: 11p14.3.
Variant type: single nucleotide variant.
Coding change: c.1832C>A on transcript NM_213599.3 (MANE Select); coding-DNA position 1832, C replaced by A.
Protein change: p.Thr611Lys; replaces threonine 611 with lysine.
Molecular consequence: missense variant.
Genome position (GRCh38, 1-based): chr11:22,262,977, C>A. VCF-style: chr11-22262977-C-A. GRCh37 (hg19) VCF-style: chr11-22284523-C-A.
Other names: c.1829C>A, p.Thr610Lys (NM_001142649.2); short protein forms T610K, T611K.
Identifiers: ClinVar variation 1308792 (VCV001308792.2), dbSNP rs2133750614, ClinGen allele CA379922939.

ClinVar aggregate classification (germline): Uncertain significance (1 of 4 stars; one submission).

Submission:

GeneDx
Classification: Uncertain significance. Last evaluated: 2019-09-23. Review status: criteria provided, single submitter. Criteria: GeneDx Variant Classification Process June 2021. Collection method: clinical testing. Allele origin: germline. Affected: yes.
Comment: Not observed in large population cohorts (Lek et al., 2016); In silico analysis, which includes protein predictors and evolutionary conservation, supports a deleterious effect; Has not been previously published as pathogenic or benign to our knowledge